The following is an entry in ClinVar:

ClinVar aggregate classification (germline): Uncertain significance (1 of 4 stars; one submission).

Submission:

Labcorp Genetics (formerly Invitae), Labcorp
Classification: Uncertain significance. Last evaluated: 2024-05-31. Review status: criteria provided, single submitter. Criteria: Invitae Variant Classification Sherloc (09022015). Collection method: clinical testing. Allele origin: germline.
Comment: This sequence change replaces alanine, which is neutral and non-polar, with valine, which is neutral and non-polar, at codon 260 of the PROM1 protein (p.Ala260Val). This variant is not present in population databases (gnomAD no frequency). This variant has not been reported in the literature in individuals affected with PROM1-related conditions. Advanced modeling of protein sequence and biophysical properties (such as structural, functional, and spatial information, amino acid conservation, physicochemical variation, residue mobility, and thermodynamic stability) performed at Invitae indicates that this missense variant is not expected to disrupt PROM1 protein function with a negative predictive value of 80%. In summary, the available evidence is currently insufficient to determine the role of this variant in disease. Therefore, it has been classified as a Variant of Uncertain Significance.

NM_006017.3(PROM1):c.779C>T (p.Ala260Val)

Gene: PROM1 (prominin 1; minus strand). Cytogenetic location: 4p15.32.
Variant type: single nucleotide variant.
Coding change: c.779C>T on transcript NM_006017.3 (MANE Select); coding-DNA position 779, C replaced by T.
Protein change: p.Ala260Val; replaces alanine 260 with valine.
Molecular consequence: missense variant.
Genome position (GRCh38, 1-based): chr4:16,023,331, G>A on the plus strand (C>T on the coding strand, the complement: PROM1 is on the minus strand). VCF-style: chr4-16023331-G-A. GRCh37 (hg19) VCF-style: chr4-16024954-G-A.
Other names: c.752C>T, p.Ala251Val (NM_001145847.2, NM_001145848.2, NM_001145851.2 and 4 more transcripts); c.779C>T, p.Ala260Val (NM_001145849.2, NM_001145850.2); short protein forms A260V, A251V.
Identifiers: ClinVar variation 3654481 (VCV003654481.2).
Genomic context (GRCh38, chr4:16,023,331, plus strand): 5'-AAGCCCAGGGACTCCTGGATGGAACTTTCTTTGGTCATTTTTGCCCACTGCTTACCTGTT[G>A]CCATGGACTTAATCTCATCAAGAACAGGGATGATGTTGGGTCTCAGTCGGTCAAGAATTC-3'
Protein context (NP_006008.1, residues 250-270): IPVLDEIKSM[Ala260Val]TAIKETKEAL